The following is an entry in ClinVar:

NM_000245.4(MET):c.3367C>T (p.Gln1123Ter)

Gene: MET (MET proto-oncogene, receptor tyrosine kinase; plus strand). Cytogenetic location: 7q31.2.
Variant type: single nucleotide variant.
Coding change: c.3367C>T on transcript NM_000245.4 (MANE Select); coding-DNA position 3367, C replaced by T.
Protein change: p.Gln1123Ter; replaces glutamine 1123 with a stop codon.
Molecular consequence: nonsense.
Genome position (GRCh38, 1-based): chr7:116,778,802, C>T. VCF-style: chr7-116778802-C-T. GRCh37 (hg19) VCF-style: chr7-116418856-C-T.
Other names: c.3421C>T, p.Gln1141Ter (NM_001127500.3); c.2077C>T, p.Gln693Ter (NM_001324402.2); short protein forms Q1123*, Q1141*, Q693*.
Identifiers: ClinVar variation 2847536 (VCV002847536.3), dbSNP rs2117045211, ClinGen allele CA368989995.

ClinVar aggregate classification (germline): Uncertain significance (1 of 4 stars; one submission).

Conditions:
Renal cell carcinoma. Identifiers: Orphanet 217071, MedGen C0007134, MeSH D002292, MONDO:0005086, HP:0005584.

Submission:

Labcorp Genetics (formerly Invitae), Labcorp
Classification: Uncertain significance for Renal cell carcinoma. Last evaluated: 2023-03-19. Review status: criteria provided, single submitter. Criteria: Invitae Variant Classification Sherloc (09022015). Collection method: clinical testing. Allele origin: germline.
Comment: This sequence change creates a premature translational stop signal (p.Gln1141*) in the MET gene. It is expected to result in an absent or disrupted protein product. However, the current clinical and genetic evidence is not sufficient to establish whether loss-of-function variants in MET cause disease. This variant is not present in population databases (gnomAD no frequency). This variant has not been reported in the literature in individuals affected with MET-related conditions. In summary, the available evidence is currently insufficient to determine the role of this variant in disease. Therefore, it has been classified as a Variant of Uncertain Significance.